The following is an entry in ClinVar:

NM_133259.4(LRPPRC):c.2629+2T>G

Gene: LRPPRC (leucine rich pentatricopeptide repeat containing; minus strand). Cytogenetic location: 2p21.
Variant type: single nucleotide variant.
Coding change: c.2629+2T>G on transcript NM_133259.4 (MANE Select); the canonical splice donor site of the intron after coding-DNA position 2629, T replaced by G.
Molecular consequence: splice donor variant.
Genome position (GRCh38, 1-based): chr2:43,934,752, A>C on the plus strand (T>G on the coding strand, the complement: LRPPRC is on the minus strand). VCF-style: chr2-43934752-A-C. GRCh37 (hg19) VCF-style: chr2-44161891-A-C.
Identifiers: ClinVar variation 4816487 (VCV004816487.1).
Genomic context (GRCh38, chr2:43,934,752, plus strand): 5'-CTAAGATTAAATCAGCAAGAAGGGAAAAAAAAACTACATTAAGATACTAGAAAGTGACTC[A>C]CCTTTCTGAATTAGATCAGTCTCGCCTTTCTCTACCAGTTTACACAAGACATCATGAATC-3'

ClinVar aggregate classification (germline): Likely pathogenic (1 of 4 stars; one submission).

Conditions:
Congenital lactic acidosis, Saguenay-Lac-Saint-Jean type (MC4DN5). Also called: CYTOCHROME c OXIDASE DEFICIENCY, FRENCH CANADIAN TYPE; COX DEFICIENCY, FRENCH CANADIAN TYPE; MITOCHONDRIAL COMPLEX IV DEFICIENCY, NUCLEAR TYPE 5. Identifiers: Orphanet 70472, MedGen C1857355, MONDO:0009069, OMIM 220111.

Submission:

Natera, Inc.
Classification: Likely pathogenic for French-Canadian type Leigh syndrome. Last evaluated: 2024-09-09. Review status: criteria provided, single submitter. Criteria: Natera Variant Classification Schema (03/2026). Collection method: clinical testing. Allele origin: germline.
Comment: The c.2629+2T>G variant in LRPPRC is a canonical splice donor site variant predicted to affect pre-mRNA splicing, which may result in an abnormal transcript and altered protein product. This variant is expected to result in nonsense mediated decay, truncation, or a dysfunctional protein product. This variant is rare in the general population with a frequency below the threshold expected for the associated phenotype(s). Given the available evidence, this variant is classified as Likely Pathogenic.